The following is an entry in ClinVar:

NM_152703.5(SAMD9L):c.3610G>T (p.Gly1204Cys)

Gene: SAMD9L (sterile alpha motif domain containing 9 like; minus strand). Cytogenetic location: 7q21.2.
Variant type: single nucleotide variant.
Coding change: c.3610G>T on transcript NM_152703.5 (MANE Select); coding-DNA position 3610, G replaced by T.
Protein change: p.Gly1204Cys; replaces glycine 1204 with cysteine.
Molecular consequence: missense variant.
Genome position (GRCh38, 1-based): chr7:93,132,362, C>A on the plus strand (G>T on the coding strand, the complement: SAMD9L is on the minus strand). VCF-style: chr7-93132362-C-A. GRCh37 (hg19) VCF-style: chr7-92761675-C-A.
Other names: c.3610G>T, p.Gly1204Cys (NM_001303496.3, NM_001303497.3, NM_001303498.3 and 5 more transcripts); c.3610G>T (NM_152703.2); short protein forms G1204C.
Identifiers: ClinVar variation 1321120 (VCV001321120.13), dbSNP rs375973426, ClinGen allele CA4343427.

ClinVar aggregate classification (germline): Conflicting classifications of pathogenicity. Review status: criteria provided, conflicting classifications (1 of 4 stars). 5 submissions from 5 submitters: Uncertain significance (4); Likely benign (1). Last evaluated 2026-08-06.

Conditions:
Spinocerebellar ataxia 49 (SCA49). Identifiers: Orphanet 631106, MedGen C5676950, MONDO:0030805, OMIM 619806.
Ataxia-pancytopenia syndrome (ATXPC). Also called: SAMD9L-Related Syndrome; SAMD9L Ataxia-Pancytopenia Syndrome. Identifiers: Orphanet 2585, MedGen C1327919, MONDO:0008038, OMIM 159550.
Inborn genetic diseases. Identifiers: MedGen C0950123, MeSH D030342.

Allele frequency attached by ClinVar (database versions not stated): gnomAD 0.00016 and 0.00015; TOPMed 0.00020; gnomAD exomes 0.00001 and 0.00003; ExAC 0.00002; ESP Exome Variant Server 0.00015.
gnomAD v4.1: 33 of 1,613,664 alleles (0.002%); highest among the groups gnomAD compares: African/African-American, 0.04%; no homozygotes.

Submissions (5):

OLLIN Analises Genomicas, OLLIN
Classification: Uncertain significance for Spinocerebellar ataxia 49. Last evaluated: 2026-08-06. Review status: criteria provided, single submitter. Criteria: ACMG Guidelines 2015 PMID 25741868. Collection method: clinical testing. Allele origin: germline. Inheritance: Autosomal dominant inheritance.
Comment: This missense variant, located in exon 5 (of 5), has been reported in ClinVar (accession VCV001321120.12) and in gnomAD with an allele frequency of 0.00205%. However, to our knowledge, it has not been reported in the scientific literature. In silico analysis predicts that this variant has a tolerated effect. According to the currently available evidence, this variant has been classified as uncertain significance (BP4_M).

St. Jude Molecular Pathology, St. Jude Children's Research Hospital
Classification: Uncertain significance for Ataxia-pancytopenia syndrome. Last evaluated: 2026-02-20. Review status: criteria provided, single submitter. Criteria: St. Jude Assertion Criteria 2020. Collection method: clinical testing. Allele origin: germline.
Comment: The SAMD9L c.3610G>T p.(Gly1204Cys) missense change has a maximum subpopulation frequency of 0.04% in gnomAD v2.1.1. The in silico tool REVEL predicts a benign effect on protein function, but to our knowledge this prediction has not been confirmed by functional studies. In silico predictions have not been found to correlate with syndromic risk and are not considered supporting evidence of a pathogenic or benign effect (PMID: 34621053). To our knowledge, this variant has not been reported in individuals with ataxia-pancytopenia syndrome or monosomy 7 myelodysplasia and leukemia syndrome. In summary, the evidence currently available is insufficient to determine the clinical significance of this variant. It has therefore been classified as of uncertain significance.

GeneDx
Classification: Uncertain significance. Last evaluated: 2025-07-29. Review status: criteria provided, single submitter. Criteria: GeneDx Variant Classification Process June 2021. Collection method: clinical testing. Allele origin: germline. Affected: yes.
Comment: In silico analysis suggests that this missense variant does not alter protein structure/function; Has not been previously published as pathogenic or benign to our knowledge

Labcorp Genetics (formerly Invitae), Labcorp
Classification: Uncertain significance. Last evaluated: 2025-02-19. Review status: criteria provided, single submitter. Criteria: Invitae Variant Classification Sherloc (09022015). Collection method: clinical testing. Allele origin: germline.
Comment: This sequence change replaces glycine, which is neutral and non-polar, with cysteine, which is neutral and slightly polar, at codon 1204 of the SAMD9L protein (p.Gly1204Cys). This variant is present in population databases (rs375973426, gnomAD 0.05%). This variant has not been reported in the literature in individuals affected with SAMD9L-related conditions. ClinVar contains an entry for this variant (Variation ID: 1321120). Invitae Evidence Modeling of protein sequence and biophysical properties (such as structural, functional, and spatial information, amino acid conservation, physicochemical variation, residue mobility, and thermodynamic stability) indicates that this missense variant is not expected to disrupt SAMD9L protein function with a negative predictive value of 80%. In summary, the available evidence is currently insufficient to determine the role of this variant in disease. Therefore, it has been classified as a Variant of Uncertain Significance.

Ambry Genetics
Classification: Likely benign for Inborn genetic diseases. Last evaluated: 2024-11-26. Review status: criteria provided, single submitter. Criteria: Ambry Variant Classification Scheme 2023. Collection method: clinical testing. Allele origin: germline.